The following is an entry in ClinVar:

ClinVar aggregate classification (germline): Pathogenic. Review status: criteria provided, multiple submitters, no conflicts (2 of 4 stars). 6 submissions from 6 submitters: Pathogenic (5). 1 of the submissions does not count toward it. Last evaluated 2026-01-02.

Conditions:
Hereditary cancer-predisposing syndrome. Also called: Tumor predisposition; Hereditary neoplastic syndrome; Neoplastic Syndromes, Hereditary; Hereditary Cancer Syndrome. Identifiers: Orphanet 140162, MedGen C0027672, MeSH D009386, MONDO:0015356.
Cardiovascular phenotype. Identifiers: MedGen CN230736.
Neurofibromatosis, type 1 (NF1). Also called: Peripheral type neurofibromatosis; VON RECKLINGHAUSEN DISEASE; Neurofibromatosis, type I; NEUROFIBROMATOSIS, TYPE I, SOMATIC. Identifiers: Orphanet 636, MedGen C0027831, MONDO:0018975, OMIM 162200. Disease mechanism: loss of function.

Submissions (6):

Labcorp Genetics (formerly Invitae), Labcorp
Classification: Pathogenic for Neurofibromatosis, type 1. Last evaluated: 2026-01-02. Review status: criteria provided, single submitter. Criteria: Invitae Variant Classification Sherloc (09022015). Collection method: clinical testing. Allele origin: germline.
Comment: This sequence change affects a donor splice site in intron 18 of the NF1 gene. RNA analysis indicates that disruption of this splice site induces altered splicing and may result in an absent or altered protein product. This variant is not present in population databases (gnomAD no frequency). Disruption of this splice site has been observed in individual(s) with NF1-related conditions (PMID: 12872266). ClinVar contains an entry for this variant (Variation ID: 492878). Studies have shown that disruption of this splice site results in skipping of exon 18, and produces a non-functional protein and/or introduces a premature termination codon (PMID: 12872266; internal data). For these reasons, this variant has been classified as Pathogenic.

GeneDx
Classification: Pathogenic. Last evaluated: 2025-06-10. Review status: criteria provided, single submitter. Criteria: GeneDx Variant Classification Process June 2021. Collection method: clinical testing. Allele origin: germline. Affected: yes.
Comment: Canonical splice site variant predicted to result in a null allele in a gene for which loss of function is a known mechanism of disease; Not observed at significant frequency in large population cohorts (gnomAD); This variant is associated with the following publications: (PMID: 34346503, 31827999, 31730495, 12872266)

Ambry Genetics
Classification: Pathogenic for Cardiovascular phenotype; Hereditary cancer-predisposing syndrome. Last evaluated: 2024-09-20. Review status: criteria provided, single submitter. Criteria: Ambry Variant Classification Scheme 2023. Collection method: clinical testing. Allele origin: germline.
Comment: The c.2251+1G>A pathogenic intronic mutation results from a G to A substitution one nucleotide after coding exon 18 of the NF1 gene. This alteration has been reported in individuals with a clinical diagnosis of neurofibromatosis type 1 (Origone P et al. Hum Mutat, 2003 Aug;22:179-80; Assunto A et al. Orphanet J Rare Dis, 2019 11;14:261; Ambry internal data). This nucleotide position is highly conserved in available vertebrate species. In silico splice site analysis predicts that this alteration will weaken the native splice donor site and may result in the creation or strengthening of a novel splice donor site. RNA studies have demonstrated that this alteration results in abnormal splicing in the set of samples tested (Ambry internal data). This variant is considered to be rare based on population cohorts in the Genome Aggregation Database (gnomAD). Based on the supporting evidence, this alteration is interpreted as a disease-causing mutation.

Baylor Genetics
Classification: Pathogenic for Neurofibromatosis, type 1. Last evaluated: 2020-10-01. Review status: criteria provided, single submitter. Criteria: ACMG Guidelines, 2015. Collection method: clinical testing. Allele origin: unknown. Affected: yes.
Comment: This variant was determined to be pathogenic according to ACMG Guidelines, 2015 [PMID:25741868].

Juno Genomics, Hangzhou Juno Genomics, Inc
Classification: Pathogenic for Neurofibromatosis, type 1. Review status: criteria provided, single submitter. Criteria: ACMG Guidelines, 2015. Collection method: clinical testing. Allele origin: germline. Affected: yes.
Comment: Absent from controls (or at extremely low frequency if recessive) in Genome Aggregation Database, Exome Sequencing Project, 1000 Genomes Project, or Exome Aggregation Consortium.;Null variant in a gene where loss of function (LOF) is a known mechanism of disease.;The prevalence of the variant in affected individuals is significantly increased compared to the prevalence in controls.;Patient's phenotype or family history is highly specific for a disease with a single genetic etiology.

Clinical Molecular Genetics Laboratory, Johns Hopkins All Children's Hospital
Classification: Pathogenic for Neurofibromatosis, type 1. Last evaluated: 2014-10-26. Review status: no assertion criteria provided. Collection method: clinical testing. Allele origin: germline. Affected: yes. Not counted in ClinVar's aggregate classification.

Literature cited by the submitters: PubMed 12872266 (cited by Labcorp Genetics (formerly Invitae), Labcorp and Ambry Genetics); PubMed 31730495 (cited by Ambry Genetics).

NM_001042492.3(NF1):c.2251+1G>A

Gene: NF1 (neurofibromin 1; plus strand). Cytogenetic location: 17q11.2.
Variant type: single nucleotide variant.
Coding change: c.2251+1G>A on transcript NM_001042492.3 (MANE Select); the canonical splice donor site of the intron after coding-DNA position 2251, G replaced by A.
Molecular consequence: splice donor variant.
Genome position (GRCh38, 1-based): chr17:31,226,685, G>A. VCF-style: chr17-31226685-G-A. GRCh37 (hg19) VCF-style: chr17-29553703-G-A.
Other names: c.2251+1G>A (NM_000267.4).
Identifiers: ClinVar variation 492878 (VCV000492878.9), dbSNP rs1555613843, ClinGen allele CA398982599.
Genomic context (GRCh38, chr17:31,226,685, plus strand): 5'-TCTTGCCCAACTATAACACATTCATGGAGTTTGCCTCTGTCAGCAATATGATGTCAACAG[G>A]TAAATGTGAATAGTGGTTTTTTTTACTCAGTCTGCCTCAAAGCACATGGCATCTGATTTT-3'